The following is an entry in ClinVar:

ClinVar aggregate classification (germline): Uncertain significance (1 of 4 stars; one submission).

Conditions:
Hereditary cancer-predisposing syndrome. Also called: Neoplastic Syndromes, Hereditary; Tumor predisposition; Hereditary Cancer Syndrome; Hereditary neoplastic syndrome. Identifiers: Orphanet 140162, MedGen C0027672, MeSH D009386, MONDO:0015356.

Submission:

Ambry Genetics
Classification: Uncertain significance for Hereditary cancer-predisposing syndrome. Last evaluated: 2025-12-07. Review status: criteria provided, single submitter. Criteria: Ambry Variant Classification Scheme 2023. Collection method: clinical testing. Allele origin: germline.
Comment: The p.L3232H variant (also known as c.9695T>A), located in coding exon 26 of the BRCA2 gene, results from a T to A substitution at nucleotide position 9695. The leucine at codon 3232 is replaced by histidine, an amino acid with similar properties. This amino acid position is conserved. In addition, this alteration is predicted to be tolerated by in silico analysis. Based on the available evidence, the clinical significance of this variant remains unclear.

NM_000059.4(BRCA2):c.9695T>A (p.Leu3232His)

Gene: BRCA2 (BRCA2 DNA repair associated; plus strand). Cytogenetic location: 13q13.1.
Variant type: single nucleotide variant.
Coding change: c.9695T>A on transcript NM_000059.4 (MANE Select); coding-DNA position 9695, T replaced by A.
Protein change: p.Leu3232His; replaces leucine 3232 with histidine.
Molecular consequence: missense variant. On other transcripts: non-coding transcript variant (1).
Genome position (GRCh38, 1-based): chr13:32,398,208, T>A. VCF-style: chr13-32398208-T-A. GRCh37 (hg19) VCF-style: chr13-32972345-T-A.
Other names: c.9599T>A, p.Leu3200His (NM_001406719.1); c.9644T>A, p.Leu3215His (NM_001406720.1); c.4763T>A, p.Leu1588His (NM_001406721.1); c.3278T>A, p.Leu1093His (NM_001406722.1); c.9695T>A, p.Leu3232His (NM_001432077.1); short protein forms L1588H, L3215H, L3232H, L3200H, L1093H.
Identifiers: ClinVar variation 4629538 (VCV004629538.1).